The following is an entry in ClinVar:

NM_001122630.2(CDKN1C):c.604G>A (p.Ala202Thr)

Gene: CDKN1C (cyclin dependent kinase inhibitor 1C; minus strand). Cytogenetic location: 11p15.4.
Variant type: single nucleotide variant.
Coding change: c.604G>A on transcript NM_001122630.2 (MANE Select); coding-DNA position 604, G replaced by A.
Protein change: p.Ala202Thr; replaces alanine 202 with threonine.
Molecular consequence: missense variant. On other transcripts: intron variant (1).
Genome position (GRCh38, 1-based): chr11:2,884,853, C>T on the plus strand (G>A on the coding strand, the complement: CDKN1C is on the minus strand). VCF-style: chr11-2884853-C-T. GRCh37 (hg19) VCF-style: chr11-2906083-C-T.
Other names: c.637G>A, p.Ala213Thr (NM_000076.2, NM_001362474.2); c.604G>A, p.Ala202Thr (NM_001122631.2); c.255+349G>A (NM_001362475.2); short protein forms A213T, A202T.
Identifiers: ClinVar variation 2814190 (VCV002814190.3), dbSNP rs2494385316, ClinGen allele CA379146164.

ClinVar aggregate classification (germline): Uncertain significance (1 of 4 stars; one submission).

Conditions:
Beckwith-Wiedemann syndrome (BWS). Also called: EMG SYNDROME; Exomphalos macroglossia gigantism syndrome. Identifiers: Orphanet 116, MedGen C0004903, MONDO:0007534, OMIM 130650.

Submission:

Labcorp Genetics (formerly Invitae), Labcorp
Classification: Uncertain significance for Beckwith-Wiedemann syndrome. Last evaluated: 2022-11-14. Review status: criteria provided, single submitter. Criteria: Invitae Variant Classification Sherloc (09022015). Collection method: clinical testing. Allele origin: germline.
Comment: This variant has not been reported in the literature in individuals affected with CDKN1C-related conditions. This sequence change replaces alanine, which is neutral and non-polar, with threonine, which is neutral and polar, at codon 213 of the CDKN1C protein (p.Ala213Thr). The frequency data for this variant in the population databases is considered unreliable, as metrics indicate insufficient coverage at this position in the gnomAD database. Advanced modeling of protein sequence and biophysical properties (such as structural, functional, and spatial information, amino acid conservation, physicochemical variation, residue mobility, and thermodynamic stability) performed at Invitae indicates that this missense variant is not expected to disrupt CDKN1C protein function. In summary, the available evidence is currently insufficient to determine the role of this variant in disease. Therefore, it has been classified as a Variant of Uncertain Significance.